The following is an entry in ClinVar:

ClinVar aggregate classification (germline): Likely pathogenic (1 of 4 stars; one submission).

Conditions:
SRRM2-related disorder. Also called: SRRM2-related condition.

Submission:

PreventionGenetics, part of Exact Sciences
Classification: Likely pathogenic for SRRM2-related condition. Last evaluated: 2023-07-14. Review status: criteria provided, single submitter. Criteria: ACMG Guidelines, 2015. Collection method: clinical testing. Allele origin: germline.
Comment: The SRRM2 c.339_340dupGC variant is predicted to result in a frameshift and premature protein termination (p.Gln114Argfs*15). To our knowledge, this variant has not been reported in the literature or in a large population database, indicating this variant is rare. Frameshift variants in SRRM2 are expected to be pathogenic (Cuinat et al. 2022. PubMed ID:35567594). This variant is interpreted as likely pathogenic.

NM_016333.4(SRRM2):c.339_340dup (p.Gln114fs)

Genes: SRRM2 (serine/arginine repetitive matrix 2; plus strand), LOC126862261 (BRD4-independent group 4 enhancer GRCh37_chr16:2807529-2808728; plus strand). Cytogenetic location: 16p13.3.
Variant type: Duplication.
Coding change: c.339_340dup on transcript NM_016333.4 (MANE Select); coding-DNA positions 339 to 340, 2 bases duplicated (GC; older notation c.339_340dupGC).
Protein change: p.Gln114fs; shifts the reading frame from glutamine 114.
Molecular consequence: frameshift variant.
Genome position (GRCh38, 1-based): chr16:2,757,568-2,757,569, GC duplicated. VCF-style (leftmost placement, unchanged base first): chr16-2757567-G-GGC. GRCh37 (hg19) VCF-style: chr16-2807568-G-GGC.
Other names: short protein forms Q114fs.
Identifiers: ClinVar variation 2631589 (VCV002631589.1), dbSNP rs2505591396, ClinGen allele CA2695197432.